The following is an entry in ClinVar:

ClinVar aggregate classification (germline): Uncertain significance (1 of 4 stars; one submission).

Conditions:
Severe X-linked myotubular myopathy (CNMX). Also called: MYOTUBULAR MYOPATHY 1; X-linked centronuclear myopathy; Myotubular myopathy, X-linked. Identifiers: Orphanet 596, MedGen C0410203, MONDO:0010683, OMIM 310400.

Allele frequency attached by ClinVar (database versions not stated): gnomAD exomes below 0.00001; ExAC 0.00001.
gnomAD v4.1: 2 of 1,208,893 alleles (0.00017%); highest among the groups gnomAD compares: East Asian, 0.0059%; no homozygotes.

Submission:

Labcorp Genetics (formerly Invitae), Labcorp
Classification: Uncertain significance for Severe X-linked myotubular myopathy. Last evaluated: 2025-01-12. Review status: criteria provided, single submitter. Criteria: Invitae Variant Classification Sherloc (09022015). Collection method: clinical testing. Allele origin: germline.
Comment: This sequence change replaces leucine, which is neutral and non-polar, with phenylalanine, which is neutral and non-polar, at codon 321 of the MTM1 protein (p.Leu321Phe). This variant is present in population databases (rs782645058, gnomAD 0.008%). This variant has not been reported in the literature in individuals affected with MTM1-related conditions. ClinVar contains an entry for this variant (Variation ID: 1938084). Invitae Evidence Modeling of protein sequence and biophysical properties (such as structural, functional, and spatial information, amino acid conservation, physicochemical variation, residue mobility, and thermodynamic stability) indicates that this missense variant is expected to disrupt MTM1 protein function with a positive predictive value of 95%. In summary, the available evidence is currently insufficient to determine the role of this variant in disease. Therefore, it has been classified as a Variant of Uncertain Significance.

NM_000252.3(MTM1):c.963A>T (p.Leu321Phe)

Gene: MTM1 (myotubularin 1; plus strand). Cytogenetic location: Xq28.
Variant type: single nucleotide variant.
Coding change: c.963A>T on transcript NM_000252.3 (MANE Select); coding-DNA position 963, A replaced by T.
Protein change: p.Leu321Phe; replaces leucine 321 with phenylalanine.
Molecular consequence: missense variant.
Genome position (GRCh38, 1-based): chrX:150,649,811, A>T. VCF-style: chrX-150649811-A-T. GRCh37 (hg19) VCF-style: chrX-149818284-A-T.
Other names: c.963A>T, p.Leu321Phe (NM_001376906.1, NM_001376908.1); c.852A>T, p.Leu284Phe (NM_001376907.1); short protein forms L284F, L321F.
Identifiers: ClinVar variation 1938084 (VCV001938084.4), dbSNP rs782645058, ClinGen allele CA10539192.